The following is an entry in ClinVar:

ClinVar aggregate classification (germline): Uncertain significance (1 of 4 stars; one submission).

Conditions:
Familial intrahepatic cholestasis. Identifiers: Orphanet 284385, MedGen CN296401, MONDO:0017290.

Submission:

Genomenon, Inc
Classification: Uncertain significance for Familial intrahepatic cholestasis. Last evaluated: 2026-04-14. Review status: criteria provided, single submitter. Criteria: Genomenon Sequence Variant Interpretation Standards - Updated. Collection method: curation. Allele origin: germline. Affected: no.
Comment: ABCB11 p.Lys38Glu (c.112A>G) is a missense variant that changes the amino acid at residue 38 from Lysine to Glutamic acid. This variant has been reported in the published literature (PMID:12404240). It is absent or not present at a significant frequency in gnomAD. In silico models predict that this variant is possibly or probably damaging. In conclusion, we classify ABCB11 p.Lys38Glu (c.112A>G) as a variant of uncertain significance.

Literature cited by the submitters: PubMed 12404240.

NM_003742.4(ABCB11):c.112A>G (p.Lys38Glu)

Gene: ABCB11 (ATP binding cassette subfamily B member 11; minus strand). Cytogenetic location: 2q31.1.
Variant type: single nucleotide variant.
Coding change: c.112A>G on transcript NM_003742.4 (MANE Select); coding-DNA position 112, A replaced by G.
Protein change: p.Lys38Glu; replaces lysine 38 with glutamic acid.
Molecular consequence: missense variant.
Genome position (GRCh38, 1-based): chr2:169,014,341, T>C on the plus strand (A>G on the coding strand, the complement: ABCB11 is on the minus strand). VCF-style: chr2-169014341-T-C. GRCh37 (hg19) VCF-style: chr2-169870851-T-C.
Other names: short protein forms K38E.
Identifiers: ClinVar variation 4846067 (VCV004846067.1).